The following is an entry in ClinVar:

NM_007375.4(TARDBP):c.1141G>T (p.Ala381Ser)

Gene: TARDBP (TAR DNA binding protein; plus strand). Cytogenetic location: 1p36.22.
Variant type: single nucleotide variant.
Coding change: c.1141G>T on transcript NM_007375.4 (MANE Select); coding-DNA position 1141, G replaced by T.
Protein change: p.Ala381Ser; replaces alanine 381 with serine.
Molecular consequence: missense variant.
Genome position (GRCh38, 1-based): chr1:11,022,550, G>T. VCF-style: chr1-11022550-G-T. GRCh37 (hg19) VCF-style: chr1-11082607-G-T.
Other names: short protein forms A381S.
Identifiers: ClinVar variation 1731552 (VCV001731552.2), dbSNP rs1643662571, ClinGen allele CA338368312.
Genomic context (GRCh38, chr1:11,022,550, plus strand): 5'-AGGGAGCCAAACCAGGCCTTCGGTTCTGGAAATAACTCTTATAGTGGCTCTAATTCTGGT[G>T]CAGCAATTGGTTGGGGATCAGCATCCAATGCAGGGTCGGGCAGTGGTTTTAATGGAGGCT-3'
Protein context (NP_031401.1, residues 371-391): NNSYSGSNSG[Ala381Ser]AIGWGSASNA

ClinVar aggregate classification (germline): Uncertain significance (1 of 4 stars; one submission).

Conditions:
Inborn genetic diseases. Identifiers: MedGen C0950123, MeSH D030342.

Submission:

Ambry Genetics
Classification: Uncertain significance for Inborn genetic diseases. Last evaluated: 2021-10-06. Review status: criteria provided, single submitter. Criteria: Ambry Variant Classification Scheme 2023. Collection method: clinical testing. Allele origin: germline.
Comment: The p.A381S variant (also known as c.1141G>T), located in coding exon 5 of the TARDBP gene, results from a G to T substitution at nucleotide position 1141. The alanine at codon 381 is replaced by serine, an amino acid with similar properties. This amino acid position is conserved. In addition, the in silico prediction for this alteration is inconclusive. Since supporting evidence is limited at this time, the clinical significance of this alteration remains unclear.